The following is an entry in ClinVar:

ClinVar aggregate classification (germline): Uncertain significance (1 of 4 stars; one submission).

Conditions:
Hereditary cancer-predisposing syndrome. Also called: Tumor predisposition; Hereditary Cancer Syndrome; Neoplastic Syndromes, Hereditary; Hereditary neoplastic syndrome. Identifiers: Orphanet 140162, MedGen C0027672, MeSH D009386, MONDO:0015356.

Submission:

Ambry Genetics
Classification: Uncertain significance for Hereditary cancer-predisposing syndrome. Last evaluated: 2018-03-26. Review status: criteria provided, single submitter. Criteria: Ambry Variant Classification Scheme 2023. Collection method: clinical testing. Allele origin: germline.
Comment: The p.D868N variant (also known as c.2602G>A), located in coding exon 16 of the ATM gene, results from a G to A substitution at nucleotide position 2602. The aspartic acid at codon 868 is replaced by asparagine, an amino acid with highly similar properties. This amino acid position is well conserved in available vertebrate species. In addition, this alteration is predicted to be tolerated by in silico analysis. Since supporting evidence is limited at this time, the clinical significance of this alteration remains unclear.

NM_000051.4(ATM):c.2602G>A (p.Asp868Asn)

Gene: ATM (ATM serine/threonine kinase; plus strand). Cytogenetic location: 11q22.3.
Variant type: single nucleotide variant.
Coding change: c.2602G>A on transcript NM_000051.4 (MANE Select); coding-DNA position 2602, G replaced by A.
Protein change: p.Asp868Asn; replaces aspartic acid 868 with asparagine.
Molecular consequence: missense variant.
Genome position (GRCh38, 1-based): chr11:108,267,306, G>A. VCF-style: chr11-108267306-G-A. GRCh37 (hg19) VCF-style: chr11-108138033-G-A.
Other names: c.2602G>A, p.Asp868Asn (NM_001351834.2); short protein forms D868N.
Identifiers: ClinVar variation 821556 (VCV000821556.4), dbSNP rs1591588501, ClinGen allele CA382544116.